The following is an entry in ClinVar:

ClinVar aggregate classification (germline): Uncertain significance (1 of 4 stars; one submission).

Submission:

Labcorp Genetics (formerly Invitae), Labcorp
Classification: Uncertain significance. Last evaluated: 2022-05-25. Review status: criteria provided, single submitter. Criteria: Invitae Variant Classification Sherloc (09022015). Collection method: clinical testing. Allele origin: germline.
Comment: In summary, the available evidence is currently insufficient to determine the role of this variant in disease. Therefore, it has been classified as a Variant of Uncertain Significance. This variant has not been reported in the literature in individuals affected with KIAA1549-related conditions. This variant is not present in population databases (gnomAD no frequency). This sequence change creates a premature translational stop signal (p.Asp819Argfs*23) in the KIAA1549 gene. It is expected to result in an absent or disrupted protein product. However, the current clinical and genetic evidence is not sufficient to establish whether loss-of-function variants in KIAA1549 cause disease.

NM_001164665.2(KIAA1549):c.2453dup (p.Asp819fs)

Gene: KIAA1549 (KIAA1549; minus strand). Cytogenetic location: 7q34.
Variant type: Duplication.
Coding change: c.2453dup on transcript NM_001164665.2 (MANE Select); coding-DNA position 2453, one base duplicated (T; older notation c.2453dupT).
Protein change: p.Asp819fs; shifts the reading frame from aspartic acid 819.
Molecular consequence: frameshift variant.
Genome position (GRCh38, 1-based): chr7:138,917,173, A duplicated on the plus strand (T on the coding strand, the reverse complement: KIAA1549 is on the minus strand). VCF-style (leftmost placement, unchanged base first): chr7-138917172-T-TA. GRCh37 (hg19) VCF-style: chr7-138601918-T-TA.
Other names: c.2453dup, p.Asp819fs (NM_020910.3); short protein forms D819fs.
Identifiers: ClinVar variation 1998769 (VCV001998769.3), dbSNP rs2485556295, ClinGen allele CA2580077506.